The following is an entry in ClinVar:

NM_006785.4(MALT1):c.1919A>G (p.Asp640Gly)

Gene: MALT1 (MALT1 paracaspase; plus strand). Cytogenetic location: 18q21.32.
Variant type: single nucleotide variant.
Coding change: c.1919A>G on transcript NM_006785.4 (MANE Select); coding-DNA position 1919, A replaced by G.
Protein change: p.Asp640Gly; replaces aspartic acid 640 with glycine.
Molecular consequence: missense variant.
Genome position (GRCh38, 1-based): chr18:58,745,673, A>G. VCF-style: chr18-58745673-A-G. GRCh37 (hg19) VCF-style: chr18-56412905-A-G.
Other names: c.1886A>G, p.Asp629Gly (NM_173844.3); short protein forms D640G, D629G.
Identifiers: ClinVar variation 1514407 (VCV001514407.6), dbSNP rs2144491140, ClinGen allele CA402576100.

ClinVar aggregate classification (germline): Uncertain significance (1 of 4 stars; one submission).

Conditions:
Combined immunodeficiency due to MALT1 deficiency. Also called: Immunodeficiency 12. Identifiers: Orphanet 397964, MedGen C3809583, MONDO:0014197, OMIM 615468.

Submission:

Labcorp Genetics (formerly Invitae), Labcorp
Classification: Uncertain significance for Combined immunodeficiency due to MALT1 deficiency. Last evaluated: 2021-08-21. Review status: criteria provided, single submitter. Criteria: Invitae Variant Classification Sherloc (09022015). Collection method: clinical testing. Allele origin: germline.
Comment: In summary, the available evidence is currently insufficient to determine the role of this variant in disease. Therefore, it has been classified as a Variant of Uncertain Significance. Algorithms developed to predict the effect of sequence changes on RNA splicing suggest that this variant may create or strengthen a splice site. Algorithms developed to predict the effect of missense changes on protein structure and function are either unavailable or do not agree on the potential impact of this missense change (SIFT: "Deleterious"; PolyPhen-2: "Benign"; Align-GVGD: "Class C15"). This variant has not been reported in the literature in individuals affected with MALT1-related conditions. This variant is not present in population databases (ExAC no frequency). This sequence change replaces aspartic acid with glycine at codon 640 of the MALT1 protein (p.Asp640Gly). The aspartic acid residue is highly conserved and there is a moderate physicochemical difference between aspartic acid and glycine.